The following is an entry in ClinVar:

NM_002633.3(PGM1):c.1421_1422del (p.Asn473_Phe474insTer)

Gene: PGM1 (phosphoglucomutase 1; plus strand). Cytogenetic location: 1p31.3.
Variant type: Deletion.
Coding change: c.1421_1422del on transcript NM_002633.3 (MANE Select); coding-DNA positions 1421 to 1422, 2 bases deleted (TT; older notation c.1421_1422delTT).
Protein change: p.Asn473_Phe474insTer.
Molecular consequence: nonsense.
Genome position (GRCh38, 1-based): chr1:63,651,809-63,651,810, TT deleted; deleting any 2 consecutive bases within chr1:63,651,808-63,651,810 gives the same sequence; the c. name uses the placement nearest the transcript's 3' end. VCF-style (leftmost placement, unchanged base first): chr1-63651807-CTT-C. GRCh37 (hg19) VCF-style: chr1-64117478-CTT-C.
Other names: c.1475_1476del, p.Asn491_Phe492insTer (NM_001172818.1); c.830_831del, p.Asn276_Phe277insTer (NM_001172819.2).
Identifiers: ClinVar variation 5002518 (VCV005002518.1).

ClinVar aggregate classification (germline): Likely pathogenic (1 of 4 stars; one submission).

Conditions:
PGM1-related disorder. Also called: PGM1-related disorders; PGM1-related condition.

Submission:

PreventionGenetics, part of Exact Sciences
Classification: Likely pathogenic for PGM1-related condition. Last evaluated: 2025-03-26. Review status: criteria provided, single submitter. Criteria: ACMG Guidelines, 2015. Collection method: clinical testing. Allele origin: germline.
Comment: The PGM1 c.1421_1422delTT variant is predicted to result in premature protein termination (p.Phe474*). To our knowledge, this variant has not been reported in the literature or in a large population database (gnomAD), indicating this variant is rare. Frameshift variants in PGM1 are expected to be pathogenic. This variant is interpreted as likely pathogenic.